The following is an entry in ClinVar:

NM_022765.4(MICAL1):c.1153C>T (p.Arg385Cys)

Gene: MICAL1 (microtubule associated monooxygenase, calponin and LIM domain containing 1; minus strand). Cytogenetic location: 6q21.
Variant type: single nucleotide variant.
Coding change: c.1153C>T on transcript NM_022765.4 (MANE Select); coding-DNA position 1153, C replaced by T.
Protein change: p.Arg385Cys; replaces arginine 385 with cysteine.
Molecular consequence: missense variant. On other transcripts: intron variant (1).
Genome position (GRCh38, 1-based): chr6:109,450,338, G>A on the plus strand (C>T on the coding strand, the complement: MICAL1 is on the minus strand). VCF-style: chr6-109450338-G-A. GRCh37 (hg19) VCF-style: chr6-109771541-G-A.
Other names: c.1210C>T, p.Arg404Cys (NM_001286613.2); c.934-253C>T (NM_001159291.2); short protein forms R385C, R404C.
Identifiers: ClinVar variation 1921141 (VCV001921141.5), dbSNP rs772715890, ClinGen allele CA3953493.
Genomic context (GRCh38, chr6:109,450,338, plus strand): 5'-CTGTGCCTCCTGAACCCCTCACCTCCACCAGGCAGTCCCCCACCAGTCCCAGCAGCAGGC[G>A]GGCGCCATGCTTCTCTTGCACACGAGCAGAACTCTCTGCCCGCATCATGCTCGTGAAGTC-3'
Protein context (NP_073602.3, residues 375-395): SARVQEKHGA[Arg385Cys]LLLGLVGDCL

ClinVar aggregate classification (germline): Uncertain significance (1 of 4 stars; one submission).

gnomAD v4.1: 15 of 1,610,064 alleles (0.00093%); highest among the groups gnomAD compares: South Asian, 0.012%; no homozygotes.

Submission:

Labcorp Genetics (formerly Invitae), Labcorp
Classification: Uncertain significance. Last evaluated: 2024-10-21. Review status: criteria provided, single submitter. Criteria: Invitae Variant Classification Sherloc (09022015). Collection method: clinical testing. Allele origin: germline.
Comment: This sequence change replaces arginine, which is basic and polar, with cysteine, which is neutral and slightly polar, at codon 404 of the MICAL1 protein (p.Arg404Cys). This variant is present in population databases (rs772715890, gnomAD 0.003%). This variant has not been reported in the literature in individuals affected with MICAL1-related conditions. ClinVar contains an entry for this variant (Variation ID: 1921141). An algorithm developed to predict the effect of missense changes on protein structure and function (PolyPhen-2) suggests that this variant is likely to be disruptive. In summary, the available evidence is currently insufficient to determine the role of this variant in disease. Therefore, it has been classified as a Variant of Uncertain Significance.